The following is an entry in ClinVar:

NM_017852.5(NLRP2):c.1674T>C (p.Phe558=)

Gene: NLRP2 (NLR family pyrin domain containing 2; plus strand). Cytogenetic location: 19q13.42.
Variant type: single nucleotide variant.
Coding change: c.1674T>C on transcript NM_017852.5 (MANE Select); coding-DNA position 1674, T replaced by C.
Protein change: p.Phe558=; no amino-acid change (phenylalanine 558 retained).
Molecular consequence: synonymous variant. On other transcripts: non-coding transcript variant (1).
Genome position (GRCh38, 1-based): chr19:54,983,372, T>C. VCF-style: chr19-54983372-T-C. GRCh37 (hg19) VCF-style: chr19-55494740-T-C.
Other names: c.1674T>C, p.Phe558= (NM_001174081.3); c.1608T>C, p.Phe536= (NM_001174082.3); c.1605T>C, p.Phe535= (NM_001174083.2); c.1665T>C, p.Phe555= (NM_001348003.2); c.1674T>C (NM_001174081.2).
Identifiers: ClinVar variation 1259906 (VCV001259906.5), dbSNP rs10412915, ClinGen allele CA310105322.

ClinVar aggregate classification (germline): Benign. Review status: criteria provided, multiple submitters, no conflicts (2 of 4 stars). 3 submissions from 3 submitters: Benign (2). 1 of the submissions does not count toward it. Last evaluated 2019-12-18.

Conditions:
NLRP2-related disorder. Also called: NLRP2-related condition.

Allele frequency attached by ClinVar (database versions not stated): ESP Exome Variant Server 0.27972; 1000 Genomes Project 30x 0.27998; TOPMed 0.28163; ExAC 0.28468; 1000 Genomes Project 0.28514; gnomAD exomes 0.28882 and 0.30153; gnomAD 0.29154 and 0.29357.
gnomAD v4.1: 484,824 of 1,613,962 alleles (30%); highest among the groups gnomAD compares: Non-Finnish European, 31%; 74,158 homozygotes.

Submissions (3):

GeneDx
Classification: Benign. Last evaluated: 2019-12-18. Review status: criteria provided, single submitter. Criteria: GeneDx Variant Classification Process June 2021. Collection method: clinical testing. Allele origin: germline. Affected: yes.

Breakthrough Genomics
Classification: Benign. Review status: criteria provided, single submitter. Criteria: ACMG Guidelines, 2015. Collection method: not provided. Allele origin: germline. Inheritance: Unknown mechanism. Affected: yes.

PreventionGenetics, part of Exact Sciences
Classification: Benign for NLRP2-related condition. Last evaluated: 2024-01-05. Review status: no assertion criteria provided. Collection method: clinical testing. Allele origin: germline. Not counted in ClinVar's aggregate classification.
Comment: This variant is classified as benign based on ACMG/AMP sequence variant interpretation guidelines (Richards et al. 2015 PMID: 25741868, with internal and published modifications).